The following is an entry in ClinVar:

NM_000391.4(TPP1):c.1129A>T (p.Thr377Ser)

Gene: TPP1 (tripeptidyl peptidase 1; minus strand). Cytogenetic location: 11p15.4.
Variant type: single nucleotide variant.
Coding change: c.1129A>T on transcript NM_000391.4 (MANE Select); coding-DNA position 1129, A replaced by T.
Protein change: p.Thr377Ser; replaces threonine 377 with serine.
Molecular consequence: missense variant.
Genome position (GRCh38, 1-based): chr11:6,616,021, T>A on the plus strand (A>T on the coding strand, the complement: TPP1 is on the minus strand). VCF-style: chr11-6616021-T-A. GRCh37 (hg19) VCF-style: chr11-6637252-T-A.
Other names: short protein forms T377S.
Identifiers: ClinVar variation 2096501 (VCV002096501.4), dbSNP rs1589947997, ClinGen allele CA379473697.

ClinVar aggregate classification (germline): Uncertain significance (1 of 4 stars; one submission).

Submission:

Labcorp Genetics (formerly Invitae), Labcorp
Classification: Uncertain significance. Last evaluated: 2022-02-11. Review status: criteria provided, single submitter. Criteria: Invitae Variant Classification Sherloc (09022015). Collection method: clinical testing. Allele origin: germline.
Comment: This sequence change replaces threonine, which is neutral and polar, with serine, which is neutral and polar, at codon 377 of the TPP1 protein (p.Thr377Ser). This variant is not present in population databases (gnomAD no frequency). This variant has not been reported in the literature in individuals affected with TPP1-related conditions. Advanced modeling of protein sequence and biophysical properties (such as structural, functional, and spatial information, amino acid conservation, physicochemical variation, residue mobility, and thermodynamic stability) performed at Invitae indicates that this missense variant is not expected to disrupt TPP1 protein function. In summary, the available evidence is currently insufficient to determine the role of this variant in disease. Therefore, it has been classified as a Variant of Uncertain Significance.